The following is an entry in ClinVar:

NM_000178.4(GSS):c.1316T>G (p.Leu439Arg)

Gene: GSS (glutathione synthetase; minus strand). Cytogenetic location: 20q11.22.
Variant type: single nucleotide variant.
Coding change: c.1316T>G on transcript NM_000178.4 (MANE Select); coding-DNA position 1316, T replaced by G.
Protein change: p.Leu439Arg; replaces leucine 439 with arginine.
Molecular consequence: missense variant.
Genome position (GRCh38, 1-based): chr20:34,928,937, A>C on the plus strand (T>G on the coding strand, the complement: GSS is on the minus strand). VCF-style: chr20-34928937-A-C. GRCh37 (hg19) VCF-style: chr20-33516740-A-C.
Other names: c.1316T>G, p.Leu439Arg (NM_001322494.1, NM_001322495.1); short protein forms L439R.
Identifiers: ClinVar variation 1469475 (VCV001469475.8), dbSNP rs1367919471, ClinGen allele CA408700038.

ClinVar aggregate classification (germline): Uncertain significance (1 of 4 stars; one submission).

Conditions:
Glutathione synthetase deficiency with 5-oxoprolinuria. Also called: Reduced glutathione synthetase level; 5-OXOPROLINURIA DUE TO GLUTATHIONE SYNTHETASE DEFICIENCY; PYROGLUTAMIC ACIDURIA; 5-Oxoprolinuria; Gluthathione synthetase deficiency. Identifiers: Orphanet 289846, MedGen C0398746, MONDO:0009947, OMIM 266130, HP:0003343.

Allele frequency attached by ClinVar (database versions not stated): gnomAD 0.00001; gnomAD exomes 0.00001.
gnomAD v4.1: 4 of 1,613,206 alleles (0.00025%); highest among the groups gnomAD compares: Non-Finnish European, 0.00034%; no homozygotes.

Submission:

Labcorp Genetics (formerly Invitae), Labcorp
Classification: Uncertain significance for Glutathione synthetase deficiency with 5-oxoprolinuria. Last evaluated: 2021-07-14. Review status: criteria provided, single submitter. Criteria: Invitae Variant Classification Sherloc (09022015). Collection method: clinical testing. Allele origin: germline.
Comment: This sequence change replaces leucine with arginine at codon 439 of the GSS protein (p.Leu439Arg). The leucine residue is moderately conserved and there is a moderate physicochemical difference between leucine and arginine. In summary, the available evidence is currently insufficient to determine the role of this variant in disease. Therefore, it has been classified as a Variant of Uncertain Significance. Algorithms developed to predict the effect of missense changes on protein structure and function are either unavailable or do not agree on the potential impact of this missense change (SIFT: "Deleterious"; PolyPhen-2: "Benign"; Align-GVGD: "Class C0"). This variant has not been reported in the literature in individuals affected with GSS-related conditions. This variant is not present in population databases (ExAC no frequency).